The following is an entry in ClinVar:

NM_003070.5(SMARCA2):c.2211C>T (p.Ser737=)

Gene: SMARCA2 (SWI/SNF related BAF chromatin remodeling complex subunit ATPase 2; plus strand). Cytogenetic location: 9p24.3.
Variant type: single nucleotide variant.
Coding change: c.2211C>T on transcript NM_003070.5 (MANE Select); coding-DNA position 2211, C replaced by T.
Protein change: p.Ser737=; no amino-acid change (serine 737 retained).
Molecular consequence: synonymous variant.
Genome position (GRCh38, 1-based): chr9:2,081,858, C>T. VCF-style: chr9-2081858-C-T. GRCh37 (hg19) VCF-style: chr9-2081858-C-T.
Other names: c.2211C>T, p.Ser737= (NM_001289396.2, NM_001289397.2, NM_139045.4).
Identifiers: ClinVar variation 1327677 (VCV001327677.8), dbSNP rs753721769, ClinGen allele CA4963423.
Genomic context (GRCh38, chr9:2,081,858, plus strand): 5'-CTTGGATAATTGAAGCAATTACTCTTCATTTCAGCTCCAGGGCCTGGAATGGATGGTTTC[C>T]CTGTATAATAACAACTTGAACGGAATCTTAGCCGATGAAATGGGGCTTGGAAAGACCATA-3'
Protein context (NP_003061.3, residues 727-747): YQLQGLEWMV[Ser737=]LYNNNLNGIL

ClinVar aggregate classification (germline): Likely benign. Review status: criteria provided, multiple submitters, no conflicts (2 of 4 stars). 3 submissions from 3 submitters: Likely benign (2). 1 of the submissions does not count toward it. Last evaluated 2025-02-24.

Conditions:
SMARCA2-related disorder. Also called: SMARCA2-related condition.

Allele frequency attached by ClinVar (database versions not stated): ExAC 0.00001; gnomAD exomes 0.00001 and 0.00002; gnomAD 0.00003 and 0.00004; TOPMed 0.00013.
gnomAD v4.1: 13 of 1,613,892 alleles (0.00081%); highest among the groups gnomAD compares: Admixed American, 0.018%; no homozygotes.

Submissions (3):

Labcorp Genetics (formerly Invitae), Labcorp
Classification: Likely benign. Last evaluated: 2025-02-24. Review status: criteria provided, single submitter. Criteria: Invitae Variant Classification Sherloc (09022015). Collection method: clinical testing. Allele origin: germline.

GeneDx
Classification: Likely benign. Last evaluated: 2021-05-05. Review status: criteria provided, single submitter. Criteria: GeneDx Variant Classification Process June 2021. Collection method: clinical testing. Allele origin: germline. Affected: yes.

PreventionGenetics, part of Exact Sciences
Classification: Likely benign for SMARCA2-related condition. Last evaluated: 2021-11-02. Review status: no assertion criteria provided. Collection method: clinical testing. Allele origin: germline. Not counted in ClinVar's aggregate classification.
Comment: This variant is classified as likely benign based on ACMG/AMP sequence variant interpretation guidelines (Richards et al. 2015 PMID: 25741868, with internal and published modifications).